The following is an entry in ClinVar:

ClinVar aggregate classification (germline): Uncertain significance (1 of 4 stars; one submission).

Conditions:
Familial sleep-related hypermotor epilepsy. Also called: Autosomal Dominant Sleep-Related Hypermotor (Hyperkinetic) Epilepsy. Identifiers: Orphanet 98784, MedGen C3696898, MONDO:0000030.

Submission:

Labcorp Genetics (formerly Invitae), Labcorp
Classification: Uncertain significance. Last evaluated: 2022-02-11. Review status: criteria provided, single submitter. Criteria: Invitae Variant Classification Sherloc (09022015). Collection method: clinical testing. Allele origin: germline.
Comment: This sequence change replaces serine, which is neutral and polar, with isoleucine, which is neutral and non-polar, at codon 193 of the CHRNB2 protein (p.Ser193Ile). This variant is not present in population databases (gnomAD no frequency). This variant has not been reported in the literature in individuals affected with CHRNB2-related conditions. Advanced modeling of protein sequence and biophysical properties (such as structural, functional, and spatial information, amino acid conservation, physicochemical variation, residue mobility, and thermodynamic stability) performed at Invitae indicates that this missense variant is not expected to disrupt CHRNB2 protein function. In summary, the available evidence is currently insufficient to determine the role of this variant in disease. Therefore, it has been classified as a Variant of Uncertain Significance.

NM_000748.3(CHRNB2):c.578G>T (p.Ser193Ile)

Gene: CHRNB2 (cholinergic receptor nicotinic beta 2 subunit; plus strand). Cytogenetic location: 1q21.3.
Variant type: single nucleotide variant.
Coding change: c.578G>T on transcript NM_000748.3 (MANE Select); coding-DNA position 578, G replaced by T.
Protein change: p.Ser193Ile; replaces serine 193 with isoleucine.
Molecular consequence: missense variant.
Genome position (GRCh38, 1-based): chr1:154,571,401, G>T. VCF-style: chr1-154571401-G-T. GRCh37 (hg19) VCF-style: chr1-154543877-G-T.
Other names: short protein forms S193I.
Identifiers: ClinVar variation 1465163 (VCV001465163.6), dbSNP rs2101520597, ClinGen allele CA342630393.